The following is an entry in ClinVar:

NM_001312909.2(FAM111A):c.910A>G (p.Lys304Glu)

Gene: FAM111A (FAM111 trypsin like peptidase A; plus strand). Cytogenetic location: 11q12.1.
Variant type: single nucleotide variant.
Coding change: c.910A>G on transcript NM_001312909.2 (MANE Select); coding-DNA position 910, A replaced by G.
Protein change: p.Lys304Glu; replaces lysine 304 with glutamic acid.
Molecular consequence: missense variant.
Genome position (GRCh38, 1-based): chr11:59,152,578, A>G. VCF-style: chr11-59152578-A-G. GRCh37 (hg19) VCF-style: chr11-58920051-A-G.
Other names: c.910A>G, p.Lys304Glu (NM_001142519.3, NM_001142520.3, NM_001142521.3 and 29 more transcripts); short protein forms K304E.
Identifiers: ClinVar variation 2102125 (VCV002102125.4), dbSNP rs2496297580, ClinGen allele CA380778862.

ClinVar aggregate classification (germline): Uncertain significance (1 of 4 stars; one submission).

Submission:

Labcorp Genetics (formerly Invitae), Labcorp
Classification: Uncertain significance. Last evaluated: 2022-02-22. Review status: criteria provided, single submitter. Criteria: Invitae Variant Classification Sherloc (09022015). Collection method: clinical testing. Allele origin: germline.
Comment: In summary, the available evidence is currently insufficient to determine the role of this variant in disease. Therefore, it has been classified as a Variant of Uncertain Significance. Algorithms developed to predict the effect of missense changes on protein structure and function output the following: SIFT: "Tolerated"; PolyPhen-2: "Benign"; Align-GVGD: "Class C0". The glutamic acid amino acid residue is found in multiple mammalian species, which suggests that this missense change does not adversely affect protein function. This variant has not been reported in the literature in individuals affected with FAM111A-related conditions. This variant is not present in population databases (gnomAD no frequency). This sequence change replaces lysine, which is basic and polar, with glutamic acid, which is acidic and polar, at codon 304 of the FAM111A protein (p.Lys304Glu).